The following is an entry in ClinVar:

ClinVar aggregate classification (germline): Conflicting classifications of pathogenicity. Review status: criteria provided, conflicting classifications (1 of 4 stars). 10 submissions from 7 submitters: Uncertain significance (4); Likely benign (6). Last evaluated 2026-06-17.

Conditions:
MYH7-related disorder. Also called: MYH7-related disorders; MYH7-related condition; MYH7-related disease.
Myosin storage myopathy (CMYO7A). Also called: SCAPULOPERONEAL MUSCULAR DYSTROPHY; SCAPULOPERONEAL SYNDROME, MYOPATHIC TYPE; MYOPATHY WITH LYSIS OF TYPE I MYOFIBRILS; MYOPATHY, HYALINE BODY, AUTOSOMAL DOMINANT; Scapuloperoneal myopathy, MYH7-related; MYH7-related late-onset scapuloperoneal muscular dystrophy. Identifiers: Orphanet 437572, Orphanet 636965, MedGen C1842160, MONDO:0008409, OMIM 608358.
Cardiovascular phenotype. Identifiers: MedGen CN230736.
Cardiomyopathy (CMYO). Also called: Cardiomyopathies. Identifiers: Orphanet 167848, MedGen C0878544, MONDO:0004994, HP:0001638. Inheritance: Various modes of inheritance.
MYH7-related skeletal myopathy. Also called: Laing early-onset distal myopathy; Laing distal myopathy; Myopathy, distal, 1; MYOPATHY, DISTAL, EARLY-ONSET, AUTOSOMAL DOMINANT; MYOPATHY, LATE DISTAL HEREDITARY. Identifiers: Orphanet 59135, MedGen C4552004, MONDO:0008050, OMIM 160500.
Hypertrophic cardiomyopathy 1 (CMH1). Also called: MYH7-Related Familial Hypertrophic Cardiomyopathy; Familial hypertrophic cardiomyopathy 1. Identifiers: MedGen C3495498, MONDO:0008647, OMIM 192600.
Dilated cardiomyopathy 1S (CMD1S). Identifiers: Orphanet 154, Orphanet 54260, MedGen C1834481, MONDO:0013262, OMIM 613426.
Hypertrophic cardiomyopathy. Also called: HYPERTROPHIC MYOCARDIOPATHY. Identifiers: Orphanet 217569, MedGen C0007194, MeSH D002312, MONDO:0005045, HP:0001639.

Allele frequency attached by ClinVar (database versions not stated): TOPMed below 0.00001; gnomAD exomes 0.00002.

Submissions (10):

PreventionGenetics, part of Exact Sciences
Classification: Likely benign for MYH7-related condition. Last evaluated: 2026-06-17. Review status: criteria provided, single submitter. Criteria: ACMG Guidelines, 2015. Collection method: clinical testing. Allele origin: germline.
Comment: This variant is classified as likely benign based on ACMG/AMP sequence variant interpretation guidelines (Richards et al. 2015 PMID: 25741868, with internal and published modifications).

CeGaT Center for Human Genetics Tuebingen
Classification: Likely benign. Last evaluated: 2026-04-01. Review status: criteria provided, single submitter. Criteria: CeGaT Center For Human Genetics Tuebingen Variant Classification Criteria Version 2. Collection method: clinical testing. Allele origin: germline. Affected: yes. Observed: 1 variant allele.
Comment: MYH7: BP4

Labcorp Genetics (formerly Invitae), Labcorp
Classification: Likely benign for Hypertrophic cardiomyopathy. Last evaluated: 2025-01-12. Review status: criteria provided, single submitter. Criteria: Invitae Variant Classification Sherloc (09022015). Collection method: clinical testing. Allele origin: germline.

All of Us Research Program, National Institutes of Health
Classification: Likely benign for Cardiomyopathy. Last evaluated: 2023-12-13. Review status: criteria provided, single submitter. Criteria: ACMG Guidelines, 2015. Collection method: clinical testing. Allele origin: germline. Inheritance: Autosomal dominant inheritance. Observed: 3 variant alleles, 3 heterozygotes.
Comment: This study involves interpretation of variants in research participants for the purpose of population health screening. Participant phenotype was not available at the time of variant classification. Additional details can be found in publication PMID: 35346344, PMCID: PMC8962531

Color Diagnostics, LLC DBA Color Health
Classification: Likely benign for Cardiomyopathy. Last evaluated: 2022-09-27. Review status: criteria provided, single submitter. Criteria: ACMG Guidelines, 2015. Collection method: clinical testing. Allele origin: germline.

Illumina Laboratory Services, Illumina
Classification: Uncertain significance for MYH7-related skeletal myopathy. Last evaluated: 2018-01-13. Review status: criteria provided, single submitter. Criteria: ICSL Variant Classification Criteria 13 December 2019. Collection method: clinical testing. Allele origin: germline.

Illumina Laboratory Services, Illumina
Classification: Uncertain significance for Dilated cardiomyopathy 1S. Last evaluated: 2018-01-13. Review status: criteria provided, single submitter. Criteria: ICSL Variant Classification Criteria 13 December 2019. Collection method: clinical testing. Allele origin: germline.

Illumina Laboratory Services, Illumina
Classification: Uncertain significance for Hypertrophic cardiomyopathy 1. Last evaluated: 2018-01-13. Review status: criteria provided, single submitter. Criteria: ICSL Variant Classification Criteria 13 December 2019. Collection method: clinical testing. Allele origin: germline.

Illumina Laboratory Services, Illumina
Classification: Uncertain significance for Myosin storage myopathy. Last evaluated: 2018-01-13. Review status: criteria provided, single submitter. Criteria: ICSL Variant Classification Criteria 13 December 2019. Collection method: clinical testing. Allele origin: germline.

Ambry Genetics
Classification: Likely benign for Cardiovascular phenotype. Last evaluated: 2015-11-06. Review status: criteria provided, single submitter. Criteria: Ambry Variant Classification Scheme 2023. Collection method: clinical testing. Allele origin: germline.

NM_000257.4(MYH7):c.2877G>A (p.Leu959=)

Gene: MYH7 (myosin heavy chain 7; minus strand). Cytogenetic location: 14q11.2.
Variant type: single nucleotide variant.
Coding change: c.2877G>A on transcript NM_000257.4 (MANE Select); coding-DNA position 2877, G replaced by A.
Protein change: p.Leu959=; no amino-acid change (leucine 959 retained).
Molecular consequence: synonymous variant.
Genome position (GRCh38, 1-based): chr14:23,423,952, C>T on the plus strand (G>A on the coding strand, the complement: MYH7 is on the minus strand). VCF-style: chr14-23423952-C-T. GRCh37 (hg19) VCF-style: chr14-23893161-C-T.
Other names: c.2877G>A (LRG_384t1, NM_000257.3).
Identifiers: ClinVar variation 264448 (VCV000264448.23), dbSNP rs886039162, ClinGen allele CA10587772.